The following is an entry in ClinVar:

NM_019098.5(CNGB3):c.547C>G (p.His183Asp)

Gene: CNGB3 (cyclic nucleotide gated channel subunit beta 3; minus strand). Cytogenetic location: 8q21.3.
Variant type: single nucleotide variant.
Coding change: c.547C>G on transcript NM_019098.5 (MANE Select); coding-DNA position 547, C replaced by G.
Protein change: p.His183Asp; replaces histidine 183 with aspartic acid.
Molecular consequence: missense variant.
Genome position (GRCh38, 1-based): chr8:86,668,115, G>C on the plus strand (C>G on the coding strand, the complement: CNGB3 is on the minus strand). VCF-style: chr8-86668115-G-C. GRCh37 (hg19) VCF-style: chr8-87680343-G-C.
Other names: c.547C>G (NM_019098.4); short protein forms H183D.
Identifiers: ClinVar variation 1038271 (VCV001038271.9), dbSNP rs1222298434, ClinGen allele CA371449903.

ClinVar aggregate classification (germline): Uncertain significance. Review status: criteria provided, single submitter (1 of 4 stars). 2 submissions from 2 submitters: Uncertain significance (1). 1 of the submissions does not count toward it. Last evaluated 2020-07-28.

Conditions:
Achromatopsia. Also called: Rod monochromatism. Identifiers: Orphanet 49382, MedGen C0152200, MONDO:0018852, HP:0011516.

Submissions (2):

Labcorp Genetics (formerly Invitae), Labcorp
Classification: Uncertain significance. Last evaluated: 2020-07-28. Review status: criteria provided, single submitter. Criteria: Invitae Variant Classification Sherloc (09022015). Collection method: clinical testing. Allele origin: germline.
Comment: Advanced modeling of protein sequence and biophysical properties (such as structural, functional, and spatial information, amino acid conservation, physicochemical variation, residue mobility, and thermodynamic stability) performed at Invitae indicates that this missense variant is not expected to disrupt CNGB3 protein function. In summary, the available evidence is currently insufficient to determine the role of this variant in disease. Therefore, it has been classified as a Variant of Uncertain Significance. This sequence change replaces histidine with aspartic acid at codon 183 of the CNGB3 protein (p.His183Asp). The histidine residue is highly conserved and there is a moderate physicochemical difference between histidine and aspartic acid. This variant is not present in population databases (ExAC no frequency). This variant has not been reported in the literature in individuals with CNGB3-related conditions.

Natera, Inc.
Classification: Uncertain significance for Achromatopsia. Last evaluated: 2025-05-29. Review status: no assertion criteria provided. Collection method: clinical testing. Allele origin: germline. Not counted in ClinVar's aggregate classification.